The following is an entry in ClinVar:

NM_012179.4(FBXO7):c.4A>C (p.Arg2=)

Gene: FBXO7 (F-box protein 7; plus strand). Cytogenetic location: 22q12.3.
Variant type: single nucleotide variant.
Coding change: c.4A>C on transcript NM_012179.4 (MANE Select); coding-DNA position 4, A replaced by C.
Protein change: p.Arg2=; no amino-acid change (arginine 2 retained).
Molecular consequence: synonymous variant.
Genome position (GRCh38, 1-based): chr22:32,475,006, A>C. VCF-style: chr22-32475006-A-C. GRCh37 (hg19) VCF-style: chr22-32870993-A-C.
Identifiers: ClinVar variation 2653087 (VCV002653087.27), dbSNP rs1445305869, ClinGen allele CA514294248.

ClinVar aggregate classification (germline): Likely benign. Review status: criteria provided, multiple submitters, no conflicts (2 of 4 stars). 2 submissions from 2 submitters: Likely benign (2). Last evaluated 2023-12-13.

Conditions:
Parkinsonian-pyramidal syndrome. Also called: PARKINSON DISEASE 15, AUTOSOMAL RECESSIVE; PALLIDOPYRAMIDAL SYNDROME; PARKINSON DISEASE 15, AUTOSOMAL RECESSIVE EARLY-ONSET. Identifiers: Orphanet 171695, MedGen C1850100, MONDO:0009830, OMIM 260300.

Allele frequency attached by ClinVar (database versions not stated): gnomAD exomes 0.00002; TOPMed 0.00002; gnomAD 0.00003.
gnomAD v4.1: 25 of 1,536,410 alleles (0.0016%); highest among the groups gnomAD compares: Non-Finnish European, 0.0021%; no homozygotes.

Submissions (2):

Labcorp Genetics (formerly Invitae), Labcorp
Classification: Likely benign for Parkinsonian-pyramidal syndrome. Last evaluated: 2023-12-13. Review status: criteria provided, single submitter. Criteria: Invitae Variant Classification Sherloc (09022015). Collection method: clinical testing. Allele origin: germline.

CeGaT Center for Human Genetics Tuebingen
Classification: Likely benign. Last evaluated: 2023-02-01. Review status: criteria provided, single submitter. Criteria: CeGaT Center For Human Genetics Tuebingen Variant Classification Criteria Version 2. Collection method: clinical testing. Allele origin: germline. Affected: yes. Observed: 1 variant allele.
Comment: FBXO7: BP4, BP7